The following is an entry in ClinVar:

ClinVar aggregate classification (germline): Uncertain significance (1 of 4 stars; one submission).

Conditions:
Inborn genetic diseases. Identifiers: MedGen C0950123, MeSH D030342.

gnomAD v4.1: 17 of 1,613,936 alleles (0.0011%); highest among the groups gnomAD compares: South Asian, 0.015%; no homozygotes.

Submission:

Ambry Genetics
Classification: Uncertain significance for Inborn genetic diseases. Last evaluated: 2024-11-30. Review status: criteria provided, single submitter. Criteria: Ambry Variant Classification Scheme 2023. Collection method: clinical testing. Allele origin: germline.
Comment: The p.R20S variant (also known as c.60A>T), located in coding exon 2 of the HAX1 gene, results from an A to T substitution at nucleotide position 60. The arginine at codon 20 is replaced by serine, an amino acid with dissimilar properties. This amino acid position is conserved. In addition, the in silico prediction for this alteration is inconclusive. Based on the available evidence, the clinical significance of this variant remains unclear.

NM_006118.4(HAX1):c.60A>T (p.Arg20Ser)

Gene: HAX1 (HCLS1 associated protein X-1; plus strand). Cytogenetic location: 1q21.3.
Variant type: single nucleotide variant.
Coding change: c.60A>T on transcript NM_006118.4 (MANE Select); coding-DNA position 60, A replaced by T.
Protein change: p.Arg20Ser; replaces arginine 20 with serine.
Molecular consequence: missense variant. On other transcripts: intron variant (1).
Genome position (GRCh38, 1-based): chr1:154,273,342, A>T. VCF-style: chr1-154273342-A-T. GRCh37 (hg19) VCF-style: chr1-154245818-A-T.
Other names: c.54-138A>T (NM_001018837.2); short protein forms R20S.
Identifiers: ClinVar variation 3524093 (VCV003524093.1).